The following is an entry in ClinVar:

NM_004565.3(PEX14):c.26A>G (p.Gln9Arg)

Gene: PEX14 (peroxisomal biogenesis factor 14; plus strand). Cytogenetic location: 1p36.22.
Variant type: single nucleotide variant.
Coding change: c.26A>G on transcript NM_004565.3 (MANE Select); coding-DNA position 26, A replaced by G.
Protein change: p.Gln9Arg; replaces glutamine 9 with arginine.
Molecular consequence: missense variant.
Genome position (GRCh38, 1-based): chr1:10,474,992, A>G. VCF-style: chr1-10474992-A-G. GRCh37 (hg19) VCF-style: chr1-10535049-A-G.
Other names: short protein forms Q9R.
Identifiers: ClinVar variation 1473432 (VCV001473432.8), dbSNP rs201979629, ClinGen allele CA338357183.

ClinVar aggregate classification (germline): Uncertain significance (1 of 4 stars; one submission).

Conditions:
Peroxisome biogenesis disorder, complementation group K (CGK). Identifiers: MedGen C1866257, MONDO:0800365.

Submission:

Labcorp Genetics (formerly Invitae), Labcorp
Classification: Uncertain significance for Peroxisome biogenesis disorder, complementation group K. Last evaluated: 2024-05-20. Review status: criteria provided, single submitter. Criteria: Invitae Variant Classification Sherloc (09022015). Collection method: clinical testing. Allele origin: germline.
Comment: This sequence change replaces glutamine, which is neutral and polar, with arginine, which is basic and polar, at codon 9 of the PEX14 protein (p.Gln9Arg). This variant is not present in population databases (gnomAD no frequency). This variant has not been reported in the literature in individuals affected with PEX14-related conditions. ClinVar contains an entry for this variant (Variation ID: 1473432). Experimental studies and prediction algorithms are not available or were not evaluated, and the functional significance of this variant is currently unknown. In summary, the available evidence is currently insufficient to determine the role of this variant in disease. Therefore, it has been classified as a Variant of Uncertain Significance.